The following is an entry in ClinVar:

NM_004963.4(GUCY2C):c.1387C>T (p.Leu463Phe)

Gene: GUCY2C (guanylate cyclase 2C; minus strand). Cytogenetic location: 12p12.3.
Variant type: single nucleotide variant.
Coding change: c.1387C>T on transcript NM_004963.4 (MANE Select); coding-DNA position 1387, C replaced by T.
Protein change: p.Leu463Phe; replaces leucine 463 with phenylalanine.
Molecular consequence: missense variant.
Genome position (GRCh38, 1-based): chr12:14,656,595, G>A on the plus strand (C>T on the coding strand, the complement: GUCY2C is on the minus strand). VCF-style: chr12-14656595-G-A. GRCh37 (hg19) VCF-style: chr12-14809529-G-A.
Other names: short protein forms L463F.
Identifiers: ClinVar variation 2699112 (VCV002699112.3), dbSNP rs1453217660, ClinGen allele CA383991927.

ClinVar aggregate classification (germline): Uncertain significance (1 of 4 stars; one submission).

Allele frequency attached by ClinVar (database versions not stated): gnomAD exomes below 0.00001.
gnomAD v4.1: 1 of 1,577,280 alleles (0.000063%); highest among the groups gnomAD compares: South Asian, 0.0011%; no homozygotes.

Submission:

Labcorp Genetics (formerly Invitae), Labcorp
Classification: Uncertain significance. Last evaluated: 2023-11-25. Review status: criteria provided, single submitter. Criteria: Invitae Variant Classification Sherloc (09022015). Collection method: clinical testing. Allele origin: germline.
Comment: This sequence change replaces leucine, which is neutral and non-polar, with phenylalanine, which is neutral and non-polar, at codon 463 of the GUCY2C protein (p.Leu463Phe). This variant is present in population databases (no rsID available, gnomAD 0.003%). This variant has not been reported in the literature in individuals affected with GUCY2C-related conditions. Advanced modeling of protein sequence and biophysical properties (such as structural, functional, and spatial information, amino acid conservation, physicochemical variation, residue mobility, and thermodynamic stability) performed at Invitae indicates that this missense variant is not expected to disrupt GUCY2C protein function with a negative predictive value of 80%. In summary, the available evidence is currently insufficient to determine the role of this variant in disease. Therefore, it has been classified as a Variant of Uncertain Significance.